The following is an entry in ClinVar:

NM_173648.4(CCDC141):c.1521A>C (p.Gln507His)

Gene: CCDC141 (coiled-coil domain containing 141; minus strand). Cytogenetic location: 2q31.2.
Variant type: single nucleotide variant.
Coding change: c.1521A>C on transcript NM_173648.4 (MANE Select); coding-DNA position 1521, A replaced by C.
Protein change: p.Gln507His; replaces glutamine 507 with histidine.
Molecular consequence: missense variant.
Genome position (GRCh38, 1-based): chr2:178,886,758, T>G on the plus strand (A>C on the coding strand, the complement: CCDC141 is on the minus strand). VCF-style: chr2-178886758-T-G. GRCh37 (hg19) VCF-style: chr2-179751485-T-G.
Other names: c.1521A>C, p.Gln507His (NM_001316745.2); short protein forms Q507H.
Identifiers: ClinVar variation 774291 (VCV000774291.36), dbSNP rs114129666, ClinGen allele CA2007247.

ClinVar aggregate classification (germline): Likely benign. Review status: criteria provided, multiple submitters, no conflicts (2 of 4 stars). 5 submissions from 5 submitters: Likely benign (4). 1 of the submissions does not count toward it. Last evaluated 2026-04-01.

Conditions:
CCDC141-related disorder. Also called: CCDC141-related condition.
Hypogonadotropic hypogonadism 7 with or without anosmia (HH7). Also called: GNRHR-Related GnRH Deficiency; HYPOGONADOTROPIC HYPOGONADISM 7 WITHOUT ANOSMIA. Identifiers: Orphanet 432, MedGen C0342384, MONDO:0007794, OMIM 146110.

Allele frequency attached by ClinVar (database versions not stated): 1000 Genomes Project 0.00220; 1000 Genomes Project 30x 0.00234; ExAC 0.00310; gnomAD exomes 0.00348; TOPMed 0.00450; gnomAD 0.00456 and 0.00468.
gnomAD v4.1: 8,364 of 1,434,468 alleles (0.58%); highest among the groups gnomAD compares: Non-Finnish European, 0.7%; 32 homozygotes.

Submissions (5):

CeGaT Center for Human Genetics Tuebingen
Classification: Likely benign. Last evaluated: 2026-04-01. Review status: criteria provided, single submitter. Criteria: CeGaT Center For Human Genetics Tuebingen Variant Classification Criteria Version 2. Collection method: clinical testing. Allele origin: germline. Affected: yes. Observed: 5 variant alleles.
Comment: CCDC141: BP4, BS2

Labcorp Genetics (formerly Invitae), Labcorp
Classification: Likely benign. Last evaluated: 2026-01-19. Review status: criteria provided, single submitter. Criteria: Invitae Variant Classification Sherloc (09022015). Collection method: clinical testing. Allele origin: germline.

Fulgent Genetics
Classification: Likely benign for Hypogonadotropic hypogonadism 7 with or without anosmia. Last evaluated: 2021-10-18. Review status: criteria provided, single submitter. Criteria: ACMG Guidelines, 2015. Collection method: clinical testing. Allele origin: unknown.

Breakthrough Genomics
Classification: Likely benign. Review status: criteria provided, single submitter. Criteria: ACMG Guidelines, 2015. Collection method: not provided. Allele origin: germline. Inheritance: Unknown mechanism. Affected: yes.

PreventionGenetics, part of Exact Sciences
Classification: Likely benign for CCDC141-related condition. Last evaluated: 2019-11-18. Review status: no assertion criteria provided. Collection method: clinical testing. Allele origin: germline. Not counted in ClinVar's aggregate classification.
Comment: This variant is classified as likely benign based on ACMG/AMP sequence variant interpretation guidelines (Richards et al. 2015 PMID: 25741868, with internal and published modifications).